The following is an entry in ClinVar:

NM_001035.3(RYR2):c.2422C>T (p.His808Tyr)

Gene: RYR2 (ryanodine receptor 2; plus strand). Cytogenetic location: 1q43.
Variant type: single nucleotide variant.
Coding change: c.2422C>T on transcript NM_001035.3 (MANE Select); coding-DNA position 2422, C replaced by T.
Protein change: p.His808Tyr; replaces histidine 808 with tyrosine.
Molecular consequence: missense variant.
Genome position (GRCh38, 1-based): chr1:237,503,314, C>T. VCF-style: chr1-237503314-C-T. GRCh37 (hg19) VCF-style: chr1-237666614-C-T.
Other names: c.2422C>T, p.His808Tyr (LRG_402t1); short protein forms H808Y.
Identifiers: ClinVar variation 583129 (VCV000583129.10), dbSNP rs1263859453, ClinGen allele CA345378710.

ClinVar aggregate classification (germline): Uncertain significance (1 of 4 stars; one submission).

Conditions:
Catecholaminergic polymorphic ventricular tachycardia 1. Also called: VENTRICULAR TACHYCARDIA, CATECHOLAMINERGIC POLYMORPHIC, 1, WITH OR WITHOUT ATRIAL DYSFUNCTION AND/OR DILATED CARDIOMYOPATHY; RYR2-Related Catecholaminergic Polymorphic Ventricular Tachycardia; VENTRICULAR TACHYCARDIA, STRESS-INDUCED POLYMORPHIC 1. Identifiers: Orphanet 3286, MedGen C1631597, MONDO:0011484, OMIM 604772.

Submission:

Labcorp Genetics (formerly Invitae), Labcorp
Classification: Uncertain significance for Catecholaminergic polymorphic ventricular tachycardia 1. Last evaluated: 2018-01-29. Review status: criteria provided, single submitter. Criteria: Invitae Variant Classification Sherloc (09022015). Collection method: clinical testing. Allele origin: germline.
Comment: This variant is not present in population databases (ExAC no frequency). This variant has not been reported in the literature in individuals with RYR2-related disease. Algorithms developed to predict the effect of missense changes on protein structure and function (SIFT, PolyPhen-2, Align-GVGD) all suggest that this variant is likely to be disruptive, but these predictions have not been confirmed by published functional studies and their clinical significance is uncertain. In summary, the available evidence is currently insufficient to determine the role of this variant in disease. Therefore, it has been classified as a Variant of Uncertain Significance. This sequence change replaces histidine with tyrosine at codon 808 of the RYR2 protein (p.His808Tyr). The histidine residue is highly conserved and there is a moderate physicochemical difference between histidine and tyrosine.